The following is an entry in ClinVar:

NM_014989.7(RIMS1):c.4196C>T (p.Thr1399Ile)

Gene: RIMS1 (regulating synaptic membrane exocytosis 1; plus strand). Cytogenetic location: 6q13.
Variant type: single nucleotide variant.
Coding change: c.4196C>T on transcript NM_014989.7 (MANE Select); coding-DNA position 4196, C replaced by T.
Protein change: p.Thr1399Ile; replaces threonine 1399 with isoleucine.
Molecular consequence: missense variant. On other transcripts: intron variant (24).
Genome position (GRCh38, 1-based): chr6:72,333,665, C>T. VCF-style: chr6-72333665-C-T. GRCh37 (hg19) VCF-style: chr6-73043368-C-T.
Other names: c.2084C>T, p.Thr695Ile (NM_001350441.2); c.2057C>T, p.Thr686Ile (NM_001350443.2); c.1931C>T, p.Thr644Ile (NM_001350444.2); c.2342C>T, p.Thr781Ile (NM_001350446.2); c.2003C>T, p.Thr668Ile (NM_001350447.2); c.2159C>T, p.Thr720Ile (NM_001350448.2); c.2066C>T, p.Thr689Ile (NM_001350454.2); c.2339C>T, p.Thr780Ile (NM_001350456.2); and 53 more; short protein forms T1399I, T563I, T588I, T614I, T615I, T616I, T629I, T630I.
Identifiers: ClinVar variation 1716277 (VCV001716277.5), dbSNP rs2552221008, ClinGen allele CA364692776.

ClinVar aggregate classification (germline): Uncertain significance (1 of 4 stars; one submission).

Allele frequency attached by ClinVar (database versions not stated): gnomAD exomes below 0.00001.
gnomAD v4.1: 1 of 1,597,494 alleles (0.000063%); highest among the groups gnomAD compares: Non-Finnish European, 0.000085%; no homozygotes.

Submission:

Labcorp Genetics (formerly Invitae), Labcorp
Classification: Uncertain significance. Last evaluated: 2022-08-12. Review status: criteria provided, single submitter. Criteria: Invitae Variant Classification Sherloc (09022015). Collection method: clinical testing. Allele origin: germline.
Comment: In summary, the available evidence is currently insufficient to determine the role of this variant in disease. Therefore, it has been classified as a Variant of Uncertain Significance. Algorithms developed to predict the effect of missense changes on protein structure and function (SIFT, PolyPhen-2, Align-GVGD) all suggest that this variant is likely to be disruptive. This variant has not been reported in the literature in individuals affected with RIMS1-related conditions. This variant is not present in population databases (gnomAD no frequency). This sequence change replaces threonine, which is neutral and polar, with isoleucine, which is neutral and non-polar, at codon 1399 of the RIMS1 protein (p.Thr1399Ile).